The following is an entry in ClinVar:

NM_017825.3(ADPRS):c.36A>G (p.Gly12=)

Gene: ADPRS (ADP-ribosylserine hydrolase; plus strand). Cytogenetic location: 1p34.3.
Variant type: single nucleotide variant.
Coding change: c.36A>G on transcript NM_017825.3 (MANE Select); coding-DNA position 36, A replaced by G.
Protein change: p.Gly12=; no amino-acid change (glycine 12 retained).
Molecular consequence: synonymous variant.
Genome position (GRCh38, 1-based): chr1:36,088,940, A>G. VCF-style: chr1-36088940-A-G. GRCh37 (hg19) VCF-style: chr1-36554541-A-G.
Identifiers: ClinVar variation 2638665 (VCV002638665.24), dbSNP rs199964084, ClinGen allele CA20694722.
Genomic context (GRCh38, chr1:36,088,940, plus strand): 5'-GAAGTGGCGAGCAGTCTGCGCGCGGATGGCCGCAGCGGCGATGGCGGCAGCGGCAGGTGG[A>G]GGGGCTGGCGCGGCCCGCTCCCTCTCGCGCTTCCGAGGCTGCCTGGCTGGCGCGCTGCTC-3'
Protein context (NP_060295.1, residues 2-22): AAAAMAAAAG[Gly12=]GAGAARSLSR

ClinVar aggregate classification (germline): Likely benign (1 of 4 stars; one submission).

Allele frequency attached by ClinVar (database versions not stated): gnomAD 0.00002; TOPMed 0.00002.
gnomAD v4.1: 39 of 1,523,280 alleles (0.0026%); highest among the groups gnomAD compares: Non-Finnish European, 0.003%; no homozygotes.

Submission:

CeGaT Center for Human Genetics Tuebingen
Classification: Likely benign. Last evaluated: 2026-03-01. Review status: criteria provided, single submitter. Criteria: CeGaT Center For Human Genetics Tuebingen Variant Classification Criteria Version 2. Collection method: clinical testing. Allele origin: germline. Affected: yes. Observed: 2 variant alleles.
Comment: ADPRS: BP4, BP7